The following is an entry in ClinVar:

ClinVar aggregate classification (germline): Uncertain significance (1 of 4 stars; one submission).

Allele frequency attached by ClinVar (database versions not stated): gnomAD exomes below 0.00001; TOPMed below 0.00001; gnomAD 0.00001.
gnomAD v4.1: 5 of 1,610,256 alleles (0.00031%); highest among the groups gnomAD compares: Non-Finnish European, 0.00042%; no homozygotes.

Submission:

Labcorp Genetics (formerly Invitae), Labcorp
Classification: Uncertain significance. Last evaluated: 2022-07-19. Review status: criteria provided, single submitter. Criteria: Invitae Variant Classification Sherloc (09022015). Collection method: clinical testing. Allele origin: germline.
Comment: In summary, the available evidence is currently insufficient to determine the role of this variant in disease. Therefore, it has been classified as a Variant of Uncertain Significance. Algorithms developed to predict the effect of missense changes on protein structure and function (SIFT, PolyPhen-2, Align-GVGD) all suggest that this variant is likely to be tolerated. This variant has not been reported in the literature in individuals affected with PLOD3-related conditions. This variant is present in population databases (no rsID available, gnomAD 0.002%). This sequence change replaces proline, which is neutral and non-polar, with alanine, which is neutral and non-polar, at codon 202 of the PLOD3 protein (p.Pro202Ala).

NM_001084.5(PLOD3):c.604C>G (p.Pro202Ala)

Gene: PLOD3 (procollagen-lysine,2-oxoglutarate 5-dioxygenase 3; minus strand). Cytogenetic location: 7q22.1.
Variant type: single nucleotide variant.
Coding change: c.604C>G on transcript NM_001084.5 (MANE Select); coding-DNA position 604, C replaced by G.
Protein change: p.Pro202Ala; replaces proline 202 with alanine.
Molecular consequence: missense variant.
Genome position (GRCh38, 1-based): chr7:101,215,919, G>C on the plus strand (C>G on the coding strand, the complement: PLOD3 is on the minus strand). VCF-style: chr7-101215919-G-C. GRCh37 (hg19) VCF-style: chr7-100859200-G-C.
Other names: short protein forms P202A.
Identifiers: ClinVar variation 1919977 (VCV001919977.5), dbSNP rs1253948854, ClinGen allele CA368624347.
Genomic context (GRCh38, chr7:101,215,919, plus strand): 5'-TCCACTCCCACAGAGCTGCGGGATGCGCCCACTCCTCTGCCTTCCCTACCCTCAGTCCTG[G>C]GTCCAGGTAGAGCCGTGTGTAGAACAGCTGGTCGTCGTCATCATCCTTGTACTTCCACTG-3'
Protein context (NP_001075.1, residues 192-212): QLFYTRLYLD[Pro202Ala]GLREKLSLNL